The following is an entry in ClinVar:

ClinVar aggregate classification (germline): Uncertain significance (1 of 4 stars; one submission).

Conditions:
Cardiomyopathy (CMYO). Also called: Cardiomyopathies. Identifiers: Orphanet 167848, MedGen C0878544, MONDO:0004994, HP:0001638. Inheritance: Various modes of inheritance.

Submission:

Color Diagnostics, LLC DBA Color Health
Classification: Uncertain significance for Cardiomyopathy. Last evaluated: 2019-11-26. Review status: criteria provided, single submitter. Criteria: ACMG Guidelines, 2015. Collection method: clinical testing. Allele origin: germline.
Comment: This missense variant replaces proline with serine at codon 299 of the DSC2 protein. Computational prediction suggests that this variant may not impact protein structure and function (internally defined REVEL score threshold <= 0.5, PMID: 27666373). Splice site prediction tools suggest that this variant may not impact RNA splicing. To our knowledge, functional studies have not been performed for this variant. This variant has not been reported in individuals affected with cardiovascular disorders in the literature. This variant has not been identified in the general population by the Genome Aggregation Database (gnomAD). The available evidence is insufficient to determine the role of this variant in disease conclusively. Therefore, this variant is classified as a Variant of Uncertain Significance.

NM_024422.6(DSC2):c.895C>T (p.Pro299Ser)

Gene: DSC2 (desmocollin 2; minus strand). Cytogenetic location: 18q12.1.
Variant type: single nucleotide variant.
Coding change: c.895C>T on transcript NM_024422.6 (MANE Select); coding-DNA position 895, C replaced by T.
Protein change: p.Pro299Ser; replaces proline 299 with serine.
Molecular consequence: missense variant.
Genome position (GRCh38, 1-based): chr18:31,086,623, G>A on the plus strand (C>T on the coding strand, the complement: DSC2 is on the minus strand). VCF-style: chr18-31086623-G-A. GRCh37 (hg19) VCF-style: chr18-28666586-G-A.
Other names: c.895C>T, p.Pro299Ser (NM_004949.5); short protein forms P299S.
Identifiers: ClinVar variation 925542 (VCV000925542.3), dbSNP rs1987406167, ClinGen allele CA402111945.